The following is an entry in ClinVar:

NM_152365.3(KDF1):c.524C>T (p.Pro175Leu)

Gene: KDF1 (keratinocyte differentiation factor 1; minus strand). Cytogenetic location: 1p36.11.
Variant type: single nucleotide variant.
Coding change: c.524C>T on transcript NM_152365.3 (MANE Select); coding-DNA position 524, C replaced by T.
Protein change: p.Pro175Leu; replaces proline 175 with leucine.
Molecular consequence: missense variant.
Genome position (GRCh38, 1-based): chr1:26,951,857, G>A on the plus strand (C>T on the coding strand, the complement: KDF1 is on the minus strand). VCF-style: chr1-26951857-G-A. GRCh37 (hg19) VCF-style: chr1-27278348-G-A.
Other names: short protein forms P175L.
Identifiers: ClinVar variation 2962187 (VCV002962187.3), dbSNP rs767193569, ClinGen allele CA710290.
Genomic context (GRCh38, chr1:26,951,857, plus strand): 5'-GGATCGGCCAGTGGCTCCTTGCAGCAGGAGTCCGCATCAGGGGCTGGGGAGGTGGCCCTC[G>A]GGTAGGGATACACAGGGATGCCTTTGAGCTTAACATCGGGGTAGCTGAAGCTGCTGCCCA-3'
Protein context (NP_689578.2, residues 165-185): KLKGIPVYPY[Pro175Leu]RATSPAPDAD

ClinVar aggregate classification (germline): Uncertain significance (1 of 4 stars; one submission).

Allele frequency attached by ClinVar (database versions not stated): gnomAD 0.00001; gnomAD exomes 0.00001; TOPMed 0.00001; ExAC 0.00001.

Submission:

Labcorp Genetics (formerly Invitae), Labcorp
Classification: Uncertain significance. Last evaluated: 2025-03-31. Review status: criteria provided, single submitter. Criteria: Invitae Variant Classification Sherloc (09022015). Collection method: clinical testing. Allele origin: germline.
Comment: This sequence change replaces proline, which is neutral and non-polar, with leucine, which is neutral and non-polar, at codon 175 of the KDF1 protein (p.Pro175Leu). This variant is present in population databases (rs767193569, gnomAD 0.01%). This variant has not been reported in the literature in individuals affected with KDF1-related conditions. ClinVar contains an entry for this variant (Variation ID: 2962187). Invitae Evidence Modeling of protein sequence and biophysical properties (such as structural, functional, and spatial information, amino acid conservation, physicochemical variation, residue mobility, and thermodynamic stability) indicates that this missense variant is not expected to disrupt KDF1 protein function with a negative predictive value of 80%. In summary, the available evidence is currently insufficient to determine the role of this variant in disease. Therefore, it has been classified as a Variant of Uncertain Significance.